The following is an entry in ClinVar:

NM_000186.4(CFH):c.2103G>A (p.Trp701Ter)

Gene: CFH (complement factor H; plus strand). Cytogenetic location: 1q31.3.
Variant type: single nucleotide variant.
Coding change: c.2103G>A on transcript NM_000186.4 (MANE Select); coding-DNA position 2103, G replaced by A.
Protein change: p.Trp701Ter; replaces tryptophan 701 with a stop codon.
Molecular consequence: nonsense.
Genome position (GRCh38, 1-based): chr1:196,726,807, G>A. VCF-style: chr1-196726807-G-A. GRCh37 (hg19) VCF-style: chr1-196695937-G-A.
Other names: short protein forms W701*.
Identifiers: ClinVar variation 4291447 (VCV004291447.1).
Genomic context (GRCh38, chr1:196,726,807, plus strand): 5'-TAAAATTTACATAGTGGAGGAGAGTACCTGTGGAGATATACCTGAACTTGAACATGGCTG[G>A]GCCCAGCTTTCTTCCCCTCCTTATTACTATGGAGATTCAGTGGAATTCAATTGCTCAGAA-3'

ClinVar aggregate classification (germline): Likely pathogenic, low penetrance (1 of 4 stars; one submission).

Conditions:
Atypical hemolytic-uremic syndrome. Identifiers: Orphanet 2134, MedGen C2931788, MONDO:0016244.
Basal laminar drusen. Also called: DRUSEN OF BRUCH MEMBRANE; DRUSEN, CUTICULAR; DRUSEN, EARLY ADULT-ONSET, GROUPED. Identifiers: Orphanet 75376, MedGen C0730295, MONDO:0007472, OMIM 126700.
Factor H deficiency (CFHD). Also called: COMPLEMENT FACTOR H DEFICIENCY; CFH DEFICIENCY. Identifiers: Orphanet 200421, MedGen C0398777, MONDO:0012350, OMIM 609814.
Age related macular degeneration 4. Identifiers: MedGen C1853147, MONDO:0012540, OMIM 610698.

Submission:

Genomenon, Inc
Classification: Likely pathogenic, low penetrance for Basal laminar drusen; Age related macular degeneration 4; Atypical hemolytic-uremic syndrome; Factor H deficiency. Last evaluated: 2025-10-02. Review status: criteria provided, single submitter. Criteria: Genomenon Sequence Variant Interpretation Standards - Updated. Collection method: curation. Allele origin: germline. Affected: no.
Comment: CFH p.Trp701Ter (c.2103G>A) is a nonsense variant that introduces a premature stop codon at amino acid position 701, creating a truncated protein that is predicted to undergo nonsense-mediated mRNA decay. This variant has been reported in the published literature (PMID:36211394;26399238). It is absent or not present at a significant frequency in gnomAD. In conclusion, we classify CFH p.Trp701Ter (c.2103G>A) as a likely pathogenic, low penetrance variant.

Literature cited by the submitters: PubMed 36211394; PubMed 26399238.